The following is an entry in ClinVar:

ClinVar aggregate classification (germline): Likely benign (1 of 4 stars; one submission).

Submission:

CeGaT Center for Human Genetics Tuebingen
Classification: Likely benign. Last evaluated: 2024-08-01. Review status: criteria provided, single submitter. Criteria: CeGaT Center For Human Genetics Tuebingen Variant Classification Criteria Version 2. Collection method: clinical testing. Allele origin: germline. Affected: yes. Observed: 2 variant alleles.
Comment: PRRT2: PM2:Supporting, BP4, BP7

NM_145239.3(PRRT2):c.504T>G (p.Pro168=)

Genes: MVP-DT (MVP divergent transcript; minus strand), PRRT2 (proline rich transmembrane protein 2; plus strand). Cytogenetic location: 16p11.2.
Variant type: single nucleotide variant.
Coding change: c.504T>G on transcript NM_145239.3 (MANE Select); coding-DNA position 504, T replaced by G.
Protein change: p.Pro168=; no amino-acid change (proline 168 retained).
Molecular consequence: synonymous variant.
Genome position (GRCh38, 1-based): chr16:29,813,558, T>G. VCF-style: chr16-29813558-T-G. GRCh37 (hg19) VCF-style: chr16-29824879-T-G.
Other names: c.504T>G, p.Pro168= (NM_001256442.2, NM_001256443.2).
Identifiers: ClinVar variation 2646370 (VCV002646370.24), dbSNP rs2543334028, ClinGen allele CA494883823.
Genomic context (GRCh38, chr16:29,813,558, plus strand): 5'-CCAGCCTACCCCCAAGCCAGCCCTTCAACCAGAGCTCCCTACCCAGGAGGACCCCACCCC[T>G]GAGATTCTGTCTGAGAGTGTAGGGGAAAAGCAAGAGAATGGGGCAGTGGTGCCCCTGCAG-3'
Protein context (NP_660282.2, residues 158-178): PELPTQEDPT[Pro168=]EILSESVGEK